The following is an entry in ClinVar:

ClinVar aggregate classification (germline): Conflicting classifications of pathogenicity. Review status: criteria provided, conflicting classifications (1 of 4 stars). 8 submissions from 4 submitters: Uncertain significance (3); Benign (2); Likely benign (3). Last evaluated 2025-12-08.

Conditions:
Dilated cardiomyopathy 1G (CMD1G). Identifiers: Orphanet 154, MedGen C1858763, MONDO:0011400, OMIM 604145.
Autosomal recessive limb-girdle muscular dystrophy type 2J (LGMDR10). Also called: MUSCULAR DYSTROPHY, LIMB-GIRDLE, AUTOSOMAL RECESSIVE 10; Limb-girdle muscular dystrophy, type 2J. Identifiers: Orphanet 140922, MedGen C1837342, MONDO:0012127, OMIM 608807.
Tibial muscular dystrophy (TMD). Also called: Tibial muscular dystrophy, tardive; UDD MYOPATHY; Udd Distal Myopathy – Tibial Muscular Dystrophy. Identifiers: Orphanet 609, MedGen C1838244, MONDO:0010870, OMIM 600334.
Myopathy, myofibrillar, 9, with early respiratory failure (MFM9). Also called: EDSTROM MYOPATHY; Hereditary myopathy with early respiratory failure; MYOPATHY, PROXIMAL, WITH EARLY RESPIRATORY MUSCLE INVOLVEMENT; Myopathy, distal, with early respiratory failure, autosomal dominant. Identifiers: Orphanet 178464, Orphanet 34521, MedGen C1863599, MONDO:0011362, OMIM 603689.
Early-onset myopathy with fatal cardiomyopathy (CMYO5). Also called: Salih Myopathy; CONGENITAL MYOPATHY 5 WITH CARDIOMYOPATHY. Identifiers: Orphanet 289377, MedGen C2673677, MONDO:0012714, OMIM 611705. Disease mechanism: loss of function.
Cardiovascular phenotype. Identifiers: MedGen CN230736.

Allele frequency attached by ClinVar (database versions not stated): gnomAD 0.00001 and 0.00003; TOPMed 0.00002; 1000 Genomes Project 30x 0.00016.
gnomAD v4.1: 62 of 1,611,460 alleles (0.0038%); highest among the groups gnomAD compares: East Asian, 0.13%; no homozygotes.

Submissions (8):

Labcorp Genetics (formerly Invitae), Labcorp
Classification: Likely benign for Dilated cardiomyopathy 1G; Autosomal recessive limb-girdle muscular dystrophy type 2J. Last evaluated: 2025-12-08. Review status: criteria provided, single submitter. Criteria: Invitae Variant Classification Sherloc (09022015). Collection method: clinical testing. Allele origin: germline.

Ambry Genetics
Classification: Likely benign for Cardiovascular phenotype. Last evaluated: 2023-05-11. Review status: criteria provided, single submitter. Criteria: Ambry Variant Classification Scheme 2023. Collection method: clinical testing. Allele origin: germline.

Blueprint Genetics
Classification: Likely benign. Last evaluated: 2022-03-28. Review status: criteria provided, single submitter. Criteria: ACMG Guidelines, 2015. Collection method: clinical testing. Allele origin: germline.

Illumina Laboratory Services, Illumina
Classification: Uncertain significance for Autosomal recessive limb-girdle muscular dystrophy type 2J. Last evaluated: 2018-01-13. Review status: criteria provided, single submitter. Criteria: ICSL Variant Classification Criteria 13 December 2019. Collection method: clinical testing. Allele origin: germline.

Illumina Laboratory Services, Illumina
Classification: Uncertain significance for Early-onset myopathy with fatal cardiomyopathy. Last evaluated: 2018-01-13. Review status: criteria provided, single submitter. Criteria: ICSL Variant Classification Criteria 13 December 2019. Collection method: clinical testing. Allele origin: germline.

Illumina Laboratory Services, Illumina
Classification: Benign for Myopathy, myofibrillar, 9, with early respiratory failure. Last evaluated: 2018-01-13. Review status: criteria provided, single submitter. Criteria: ICSL Variant Classification Criteria 13 December 2019. Collection method: clinical testing. Allele origin: germline.
Comment: This variant was observed in the ICSL laboratory as part of a predisposition screen in an ostensibly healthy population. It had not been previously curated by ICSL or reported in the Human Gene Mutation Database (HGMD: prior to June 1st, 2018), and was therefore a candidate for classification through an automated scoring system. Utilizing variant allele frequency, disease prevalence and penetrance estimates, and inheritance mode, an automated score was calculated to assess if this variant is too frequent to cause the disease. Based on the score and internal cut-off values, a variant classified as benign is not then subjected to further curation. The score for this variant resulted in a classification of benign for this disease.

Illumina Laboratory Services, Illumina
Classification: Benign for Tibial muscular dystrophy. Last evaluated: 2018-01-13. Review status: criteria provided, single submitter. Criteria: ICSL Variant Classification Criteria 13 December 2019. Collection method: clinical testing. Allele origin: germline.
Comment: the same text as in the submission from Illumina Laboratory Services, Illumina above.

Illumina Laboratory Services, Illumina
Classification: Uncertain significance for Dilated cardiomyopathy 1G. Last evaluated: 2018-01-13. Review status: criteria provided, single submitter. Criteria: ICSL Variant Classification Criteria 13 December 2019. Collection method: clinical testing. Allele origin: germline.

NM_001267550.2(TTN):c.64453C>A (p.Arg21485=)

Genes: TTN (titin; minus strand), TTN-AS1 (TTN antisense RNA 1; plus strand). Cytogenetic location: 2q31.2.
Variant type: single nucleotide variant.
Coding change: c.64453C>A on transcript NM_001267550.2 (MANE Select); coding-DNA position 64453, C replaced by A.
Protein change: p.Arg21485=; no amino-acid change (arginine 21485 retained).
Molecular consequence: synonymous variant.
Genome position (GRCh38, 1-based): chr2:178,585,291, G>T on the plus strand (C>A on the coding strand, the complement: TTN is on the minus strand). VCF-style: chr2-178585291-G-T. GRCh37 (hg19) VCF-style: chr2-179450018-G-T.
Other names: c.59530C>A, p.Arg19844= (NM_001256850.1); c.37258C>A, p.Arg12420= (NM_003319.4); c.56749C>A, p.Arg18917= (NM_133378.4); c.37633C>A, p.Arg12545= (NM_133432.3); c.37834C>A, p.Arg12612= (NM_133437.4).
Identifiers: ClinVar variation 808969 (VCV000808969.25), dbSNP rs768345594, ClinGen allele CA1991900.